The following is an entry in ClinVar:

NM_006412.4(AGPAT2):c.*442C>G

Gene: AGPAT2 (1-acylglycerol-3-phosphate O-acyltransferase 2; minus strand). Cytogenetic location: 9q34.3.
Variant type: single nucleotide variant.
Coding change: c.*442C>G on transcript NM_006412.4 (MANE Select); 442 bases downstream of the stop codon, C replaced by G.
Molecular consequence: 3 prime UTR variant.
Genome position (GRCh38, 1-based): chr9:136,673,310, G>C on the plus strand (C>G on the coding strand, the complement: AGPAT2 is on the minus strand). VCF-style: chr9-136673310-G-C. GRCh37 (hg19) VCF-style: chr9-139567762-G-C.
Other names: c.*442C>G (NM_001012727.2).
Identifiers: ClinVar variation 365904 (VCV000365904.6), dbSNP rs6951, ClinGen allele CA10626914.

ClinVar aggregate classification (germline): Benign. Review status: criteria provided, multiple submitters, no conflicts (2 of 4 stars). 2 submissions from 2 submitters: Benign (2). Last evaluated 2018-01-12.

Conditions:
Congenital generalized lipodystrophy type 1 (CGL1). Also called: BRUNZELL SYNDROME, AGPAT2-RELATED; Berardinelli-Seip Congenital Lipodystrophy Type 1. Identifiers: Orphanet 528, Orphanet 696189, MedGen C1720862, MONDO:0012071, OMIM 608594.

Allele frequency attached by ClinVar (database versions not stated): gnomAD 0.75286 and 0.76067; TOPMed 0.75563; 1000 Genomes Project 30x 0.79653; gnomAD exomes 0.79677; 1000 Genomes Project 0.80331.
gnomAD v4.1: 119,287 of 156,518 alleles (76%); highest among the groups gnomAD compares: East Asian, 94%; 45,945 homozygotes.

Submissions (2):

Illumina Laboratory Services, Illumina
Classification: Benign for Congenital generalized lipodystrophy type 1. Last evaluated: 2018-01-12. Review status: criteria provided, single submitter. Criteria: ICSL Variant Classification Criteria 13 December 2019. Collection method: clinical testing. Allele origin: germline.
Comment: This variant was observed in the ICSL laboratory as part of a predisposition screen in an ostensibly healthy population. It had not been previously curated by ICSL or reported in the Human Gene Mutation Database (HGMD: prior to June 1st, 2018), and was therefore a candidate for classification through an automated scoring system. Utilizing variant allele frequency, disease prevalence and penetrance estimates, and inheritance mode, an automated score was calculated to assess if this variant is too frequent to cause the disease. Based on the score and internal cut-off values, a variant classified as benign is not then subjected to further curation. The score for this variant resulted in a classification of benign for this disease.

Breakthrough Genomics
Classification: Benign. Review status: criteria provided, single submitter. Criteria: ACMG Guidelines, 2015. Collection method: not provided. Allele origin: germline. Inheritance: Autosomal recessive inheritance. Affected: yes.